The following is an entry in ClinVar:

NM_000631.5(NCF4):c.763A>G (p.Ile255Val)

Gene: NCF4 (neutrophil cytosolic factor 4; plus strand). Cytogenetic location: 22q12.3.
Variant type: single nucleotide variant.
Coding change: c.763A>G on transcript NM_000631.5 (MANE Select); coding-DNA position 763, A replaced by G.
Protein change: p.Ile255Val; replaces isoleucine 255 with valine.
Molecular consequence: missense variant. On other transcripts: synonymous variant (1).
Genome position (GRCh38, 1-based): chr22:36,876,033, A>G. VCF-style: chr22-36876033-A-G. GRCh37 (hg19) VCF-style: chr22-37272075-A-G.
Other names: c.1008A>G, p.Thr336= (NM_013416.4); short protein forms I255V.
Identifiers: ClinVar variation 4686843 (VCV004686843.1).
Genomic context (GRCh38, chr22:36,876,033, plus strand): 5'-CCCCACACCCCACTTCCAGCCTGATGCCTCCTTACTCCAGCCTGTCACCCCCTTAGGGAC[A>G]TCGCGGTGGAGGAAGATCTCAGCAGCACTCCCCTATTGAAAGACCTGCTGGAGCTCACAA-3'
Protein context (NP_000622.2, residues 245-265): YEDTISTIKD[Ile255Val]AVEEDLSSTP

ClinVar aggregate classification (germline): Uncertain significance (1 of 4 stars; one submission).

gnomAD v4.1: 1 of 1,612,854 alleles (0.000062%); highest among the groups gnomAD compares: East Asian, 0.0022%; no homozygotes.

Submission:

GeneDx
Classification: Uncertain significance. Last evaluated: 2025-07-23. Review status: criteria provided, single submitter. Criteria: GeneDx Variant Classification Process June 2021. Collection method: clinical testing. Allele origin: germline. Affected: yes.
Comment: Not observed at significant frequency in large population cohorts (gnomAD); In silico analysis suggests that this variant does not alter splicing; Has not been previously published as pathogenic or benign to our knowledge